The following is an entry in ClinVar:

ClinVar aggregate classification (germline): Uncertain significance (1 of 4 stars; one submission).

Submission:

Ambry Genetics
Classification: Uncertain significance. Last evaluated: 2023-01-08. Review status: criteria provided, single submitter. Criteria: Ambry Variant Classification Scheme 2023. Collection method: clinical testing. Allele origin: germline.
Comment: The p.Y245S variant (also known as c.734A>C), located in coding exon 1 of the MLH3 gene, results from an A to C substitution at nucleotide position 734. The tyrosine at codon 245 is replaced by serine, an amino acid with dissimilar properties. This amino acid position is conserved. In addition, this alteration is predicted to be deleterious by in silico analysis. Since supporting evidence is limited at this time, the clinical significance of this alteration remains unclear.

NM_001040108.2(MLH3):c.734A>C (p.Tyr245Ser)

Gene: MLH3 (mutL homolog 3; minus strand). Cytogenetic location: 14q24.3.
Variant type: single nucleotide variant.
Coding change: c.734A>C on transcript NM_001040108.2 (MANE Select); coding-DNA position 734, A replaced by C.
Protein change: p.Tyr245Ser; replaces tyrosine 245 with serine.
Molecular consequence: missense variant.
Genome position (GRCh38, 1-based): chr14:75,048,922, T>G on the plus strand (A>C on the coding strand, the complement: MLH3 is on the minus strand). VCF-style: chr14-75048922-T-G. GRCh37 (hg19) VCF-style: chr14-75515625-T-G.
Other names: c.734A>C, p.Tyr245Ser (NM_014381.3); short protein forms Y245S.
Identifiers: ClinVar variation 2448646 (VCV002448646.2), dbSNP rs2503318365, ClinGen allele CA390449370.